The following is an entry in ClinVar:

NM_000843.4(GRM6):c.1141C>T (p.Arg381Cys)

Genes: GRM6 (glutamate metabotropic receptor 6; minus strand), ZNF454 (zinc finger protein 454; plus strand). Cytogenetic location: 5q35.3.
Variant type: single nucleotide variant.
Coding change: c.1141C>T on transcript NM_000843.4 (MANE Select); coding-DNA position 1141, C replaced by T.
Protein change: p.Arg381Cys; replaces arginine 381 with cysteine.
Molecular consequence: missense variant.
Genome position (GRCh38, 1-based): chr5:178,989,277, G>A on the plus strand (C>T on the coding strand, the complement: GRM6 is on the minus strand). VCF-style: chr5-178989277-G-A. GRCh37 (hg19) VCF-style: chr5-178416278-G-A.
Other names: short protein forms R381C.
Identifiers: ClinVar variation 1035573 (VCV001035573.6), dbSNP rs772521795, ClinGen allele CA3594231.

ClinVar aggregate classification (germline): Uncertain significance (1 of 4 stars; one submission).

Allele frequency attached by ClinVar (database versions not stated): gnomAD exomes 0.00001 and 0.00002; ExAC 0.00002; gnomAD 0.00003.
gnomAD v4.1: 13 of 1,600,346 alleles (0.00081%); highest among the groups gnomAD compares: Admixed American, 0.007%; no homozygotes.

Submission:

Labcorp Genetics (formerly Invitae), Labcorp
Classification: Uncertain significance. Last evaluated: 2021-09-01. Review status: criteria provided, single submitter. Criteria: Invitae Variant Classification Sherloc (09022015). Collection method: clinical testing. Allele origin: germline.
Comment: This sequence change replaces arginine with cysteine at codon 381 of the GRM6 protein (p.Arg381Cys). The arginine residue is moderately conserved and there is a large physicochemical difference between arginine and cysteine. This variant is present in population databases (rs772521795, ExAC 0.01%). This variant has not been reported in the literature in individuals affected with GRM6-related conditions. Algorithms developed to predict the effect of missense changes on protein structure and function are either unavailable or do not agree on the potential impact of this missense change (SIFT: "Deleterious"; PolyPhen-2: "Possibly Damaging"; Align-GVGD: "Class C15"). In summary, the available evidence is currently insufficient to determine the role of this variant in disease. Therefore, it has been classified as a Variant of Uncertain Significance.